The following is an entry in ClinVar:

NM_000137.4(FAH):c.702G>A (p.Trp234Ter)

Gene: FAH (fumarylacetoacetate hydrolase; plus strand). Cytogenetic location: 15q25.1.
Variant type: single nucleotide variant.
Coding change: c.702G>A on transcript NM_000137.4 (MANE Select); coding-DNA position 702, G replaced by A.
Protein change: p.Trp234Ter; replaces tryptophan 234 with a stop codon.
Molecular consequence: nonsense.
Genome position (GRCh38, 1-based): chr15:80,172,244, G>A. VCF-style: chr15-80172244-G-A. GRCh37 (hg19) VCF-style: chr15-80464586-G-A.
Other names: c.702G>A, p.Trp234Ter (NM_001374377.1, NM_001374380.1); c.702G>A (NM_000137.2); short protein forms W234*.
Identifiers: ClinVar variation 1074367 (VCV001074367.12), dbSNP rs765527687, ClinGen allele CA7691305.

ClinVar aggregate classification (germline): Pathogenic/Likely pathogenic. Review status: criteria provided, multiple submitters, no conflicts (2 of 4 stars). 6 submissions from 6 submitters: Pathogenic (3); Likely pathogenic (3). Last evaluated 2026-09-01.

Conditions:
Tyrosinemia type I (TYRSN1). Also called: Tyrosinemia type 1; Fumarylacetoacetase deficiency; Deficiency of fumarylacetoacetase; HEPATORENAL TYROSINEMIA; FAH DEFICIENCY. Identifiers: Orphanet 882, MedGen C0268490, MONDO:0010161, OMIM 276700. Disease mechanism: loss of function.

Allele frequency attached by ClinVar (database versions not stated): gnomAD exomes below 0.00001; ExAC 0.00001.
gnomAD v4.1: 5 of 1,608,736 alleles (0.00031%); highest among the groups gnomAD compares: Non-Finnish European, 0.00043%; no homozygotes.

Submissions (6):

CeGaT Center for Human Genetics Tuebingen
Classification: Pathogenic. Last evaluated: 2026-09-01. Review status: criteria provided, single submitter. Criteria: CeGaT Center For Human Genetics Tuebingen Variant Classification Criteria Version 2. Collection method: clinical testing. Allele origin: germline. Affected: yes. Observed: 1 variant allele.
Comment: FAH: PVS1, PM2, PM3:Supporting

Dasa
Classification: Pathogenic. Last evaluated: 2025-11-21. Review status: criteria provided, single submitter. Criteria: DASA Assertion Criteria. Collection method: clinical testing. Allele origin: germline.
Comment: NM_000137.4(FAH):c.702G>A (p.Trp234*) introduces a premature termination codon predicted to result in loss of normal protein function. Loss-of-function is an established mechanism of disease for this gene. This variant has been observed in affected individuals with related phenotype in a genotype context consistent with recessive disease (PMID: 21752152). This variant has been reported in individuals with related phenotype (PMID: 21752152). The variant is present at low frequency in population datasets. Based on the available data, this variant is classified as pathogenic.

Natera, Inc.
Classification: Likely pathogenic for Tyrosinemia type I. Last evaluated: 2025-07-17. Review status: criteria provided, single submitter. Criteria: Natera Variant Classification Schema (03/2026). Collection method: clinical testing. Allele origin: germline.
Comment: The c.702G>A variant in FAH is a nonsense variant predicted to introduce a stop codon at amino acid 234. This variant is expected to result in nonsense mediated decay, truncation, or a dysfunctional protein product. This variant is rare in the general population with a frequency below the threshold expected for the associated phenotype(s). Given the available evidence, this variant is classified as Likely Pathogenic.

Labcorp Genetics (formerly Invitae), Labcorp
Classification: Pathogenic for Tyrosinemia type I. Last evaluated: 2024-06-30. Review status: criteria provided, single submitter. Criteria: Invitae Variant Classification Sherloc (09022015). Collection method: clinical testing. Allele origin: germline.
Comment: This sequence change creates a premature translational stop signal (p.Trp234*) in the FAH gene. It is expected to result in an absent or disrupted protein product. Loss-of-function variants in FAH are known to be pathogenic (PMID: 9101289, 9633815). This variant is present in population databases (rs765527687, gnomAD 0.0009%). This variant has not been reported in the literature in individuals affected with FAH-related conditions. For these reasons, this variant has been classified as Pathogenic.

Fulgent Genetics
Classification: Likely pathogenic for Tyrosinemia type I. Last evaluated: 2024-02-12. Review status: criteria provided, single submitter. Criteria: ACMG Guidelines, 2015. Collection method: clinical testing. Allele origin: germline.

Baylor Genetics
Classification: Likely pathogenic for Tyrosinemia type I. Last evaluated: 2023-12-28. Review status: criteria provided, single submitter. Criteria: ACMG Guidelines, 2015. Collection method: clinical testing. Allele origin: unknown.

Literature cited by the submitters: PubMed 21752152 (cited by Dasa); PubMed 9101289 (cited by Labcorp Genetics (formerly Invitae), Labcorp); PubMed 9633815 (cited by Labcorp Genetics (formerly Invitae), Labcorp).